The following is an entry in ClinVar:

NM_133642.5(LARGE1):c.*207G>A

Gene: LARGE1 (LARGE xylosyl- and glucuronyltransferase 1; minus strand). Cytogenetic location: 22q12.3.
Variant type: single nucleotide variant.
Coding change: c.*207G>A on transcript NM_133642.5 (MANE Select); 207 bases downstream of the stop codon, G replaced by A.
Molecular consequence: 3 prime UTR variant.
Genome position (GRCh38, 1-based): chr22:33,274,220, C>T on the plus strand (G>A on the coding strand, the complement: LARGE1 is on the minus strand). VCF-style: chr22-33274220-C-T. GRCh37 (hg19) VCF-style: chr22-33670206-C-T.
Other names: c.*207G>A (NM_001362949.2, NM_001362951.2, NM_001362953.2 and 9 more transcripts).
Identifiers: ClinVar variation 341428 (VCV000341428.8), dbSNP rs16992036, ClinGen allele CA10654101.
Genomic context (GRCh38, chr22:33,274,220, plus strand): 5'-GTCACCCCTTGATTTCCCATTCTTGAAGAGACTCATCTAGGTGGGCTGCATAGCTAACCT[C>T]TGGGAATGCAGGGTTGTGGGGCAGAGAGGGACTGGCTGGATCCTTGTCCAAGGTCTCTGT-3'

ClinVar aggregate classification (germline): Benign/Likely benign. Review status: criteria provided, multiple submitters, no conflicts (2 of 4 stars). 4 submissions from 3 submitters: Benign (2); Likely benign (2). Last evaluated 2018-06-28.

Conditions:
Muscular dystrophy-dystroglycanopathy (congenital with brain and eye anomalies), type A6. Also called: MUSCULAR DYSTROPHY-DYSTROGLYCANOPATHY (CONGENITAL WITH BRAIN AND EYE ANOMALIES), TYPE A, 6; WALKER-WARBURG SYNDROME OR MUSCLE-EYE-BRAIN DISEASE, LARGE-RELATED. Identifiers: Orphanet 588, Orphanet 899, MedGen C3150414, MONDO:0013158, OMIM 613154.
Muscular dystrophy-dystroglycanopathy type B6 (MDDGB6). Also called: MUSCULAR DYSTROPHY, CONGENITAL, LARGE-RELATED; MUSCULAR DYSTROPHY, CONGENITAL, TYPE 1D; MUSCULAR DYSTROPHY-DYSTROGLYCANOPATHY (CONGENITAL WITH IMPAIRED INTELLECTUAL DEVELOPMENT), TYPE B, 6. Identifiers: MedGen C1837229, MONDO:0012138, OMIM 608840.

Allele frequency attached by ClinVar (database versions not stated): gnomAD exomes 0.02957; gnomAD 0.03294 and 0.03308; TOPMed 0.03309; 1000 Genomes Project 0.03415; 1000 Genomes Project 30x 0.03654.
gnomAD v4.1: 19,159 of 632,362 alleles (3%); highest among the groups gnomAD compares: African/African-American, 4.9%; 384 homozygotes.

Submissions (4):

GeneDx
Classification: Likely benign. Last evaluated: 2018-06-28. Review status: criteria provided, single submitter. Criteria: GeneDx Variant Classification Process June 2021. Collection method: clinical testing. Allele origin: germline. Affected: yes.

Illumina Laboratory Services, Illumina
Classification: Benign for Muscular dystrophy-dystroglycanopathy (congenital with brain and eye anomalies), type A6. Last evaluated: 2018-01-12. Review status: criteria provided, single submitter. Criteria: ICSL Variant Classification Criteria 13 December 2019. Collection method: clinical testing. Allele origin: germline.
Comment: This variant was observed in the ICSL laboratory as part of a predisposition screen in an ostensibly healthy population. It had not been previously curated by ICSL or reported in the Human Gene Mutation Database (HGMD: prior to June 1st, 2018), and was therefore a candidate for classification through an automated scoring system. Utilizing variant allele frequency, disease prevalence and penetrance estimates, and inheritance mode, an automated score was calculated to assess if this variant is too frequent to cause the disease. Based on the score and internal cut-off values, a variant classified as benign is not then subjected to further curation. The score for this variant resulted in a classification of benign for this disease.

Illumina Laboratory Services, Illumina
Classification: Benign for Muscular dystrophy-dystroglycanopathy type B6. Last evaluated: 2018-01-12. Review status: criteria provided, single submitter. Criteria: ICSL Variant Classification Criteria 13 December 2019. Collection method: clinical testing. Allele origin: germline.
Comment: the same text as in the submission from Illumina Laboratory Services, Illumina above.

Breakthrough Genomics
Classification: Likely benign. Review status: criteria provided, single submitter. Criteria: ACMG Guidelines, 2015. Collection method: not provided. Allele origin: germline. Inheritance: Autosomal recessive inheritance. Affected: yes.